The following is an entry in ClinVar:

ClinVar aggregate classification (germline): Uncertain significance (1 of 4 stars; one submission).

Submission:

GeneDx
Classification: Uncertain significance. Last evaluated: 2023-05-19. Review status: criteria provided, single submitter. Criteria: GeneDx Variant Classification Process June 2021. Collection method: clinical testing. Allele origin: germline. Affected: yes.
Comment: Not observed at significant frequency in large population cohorts (gnomAD); In silico analysis supports that this missense variant has a deleterious effect on protein structure/function; Has not been previously published as pathogenic or benign to our knowledge

NM_030912.3(TRIM8):c.320G>A (p.Cys107Tyr)

Gene: TRIM8 (tripartite motif containing 8; plus strand). Cytogenetic location: 10q24.32.
Variant type: single nucleotide variant.
Coding change: c.320G>A on transcript NM_030912.3 (MANE Select); coding-DNA position 320, G replaced by A.
Protein change: p.Cys107Tyr; replaces cysteine 107 with tyrosine.
Molecular consequence: missense variant. On other transcripts: non-coding transcript variant (1).
Genome position (GRCh38, 1-based): chr10:102,644,937, G>A. VCF-style: chr10-102644937-G-A. GRCh37 (hg19) VCF-style: chr10-104404694-G-A.
Other names: c.320G>A, p.Cys107Tyr (NM_001345950.1); short protein forms C107Y.
Identifiers: ClinVar variation 3343820 (VCV003343820.1).